The following is an entry in ClinVar:

ClinVar aggregate classification (germline): Uncertain significance (1 of 4 stars; one submission).

Conditions:
SEMA3C-related disorder. Also called: SEMA3C-related condition.

Allele frequency attached by ClinVar (database versions not stated): gnomAD exomes 0.00001.
gnomAD v4.1: 5 of 1,610,224 alleles (0.00031%); highest among the groups gnomAD compares: Admixed American, 0.0067%; no homozygotes.

Submission:

PreventionGenetics, part of Exact Sciences
Classification: Uncertain significance for SEMA3C-related condition. Last evaluated: 2026-06-26. Review status: criteria provided, single submitter. Criteria: ACMG Guidelines, 2015. Collection method: clinical testing. Allele origin: germline.
Comment: The SEMA3C c.1415G>A variant is predicted to result in the amino acid substitution p.Gly472Asp. To our knowledge, this variant has not been reported in the literature. This variant is reported in 0.0029% of alleles in individuals of Latino descent in gnomAD. At this time, the clinical significance of this variant is uncertain due to the absence of conclusive functional and genetic evidence.

NM_006379.5(SEMA3C):c.1361G>A (p.Gly454Asp)

Gene: SEMA3C (semaphorin 3C; minus strand). Cytogenetic location: 7q21.11.
Variant type: single nucleotide variant.
Coding change: c.1361G>A on transcript NM_006379.5 (MANE Select); coding-DNA position 1361, G replaced by A.
Protein change: p.Gly454Asp; replaces glycine 454 with aspartic acid.
Molecular consequence: missense variant.
Genome position (GRCh38, 1-based): chr7:80,765,237, C>T on the plus strand (G>A on the coding strand, the complement: SEMA3C is on the minus strand). VCF-style: chr7-80765237-C-T. GRCh37 (hg19) VCF-style: chr7-80394553-C-T.
Other names: c.1415G>A, p.Gly472Asp (NM_001350120.2); c.1187G>A, p.Gly396Asp (NM_001350121.2); short protein forms G396D, G454D, G472D.
Identifiers: ClinVar variation 3030177 (VCV003030177.3), dbSNP rs1456783861, ClinGen allele CA367862118.